The following is an entry in ClinVar:

ClinVar aggregate classification (germline): Pathogenic (0 of 4 stars; one submission).

Conditions:
Fanconi anemia complementation group A (FANCA). Also called: Fanconi anemia, group A; FANCA-Related Fanconi Anemia. Identifiers: Orphanet 84, MedGen C3469521, MONDO:0009215, OMIM 227650.

Submission:

Leiden Open Variation Database
Classification: Pathogenic for Fanconi anemia complementation group A. Last evaluated: 2020-02-28. Review status: no assertion criteria provided. Collection method: curation. Allele origin: germline. Affected: yes.
Comment: Curator: Arleen D. Auerbach. Submitter to LOVD: Arleen D. Auerbach.

Literature cited by the submitters: PubMed 25168418.

NC_000016.9:g.88224066_88408991del

Variant type: Deletion.
Identifiers: ClinVar variation 974365 (VCV000974365.1).